The following is an entry in ClinVar:

ClinVar aggregate classification (germline): Uncertain significance (1 of 4 stars; one submission).

gnomAD v4.1: 2 of 1,522,242 alleles (0.00013%); highest among the groups gnomAD compares: Non-Finnish European, 0.00018%; no homozygotes.

Submission:

Labcorp Genetics (formerly Invitae), Labcorp
Classification: Uncertain significance. Last evaluated: 2025-05-30. Review status: criteria provided, single submitter. Criteria: Invitae Variant Classification Sherloc (09022015). Collection method: clinical testing. Allele origin: germline.
Comment: This sequence change replaces proline, which is neutral and non-polar, with leucine, which is neutral and non-polar, at codon 1669 of the CDC42BPB protein (p.Pro1669Leu). The frequency data for this variant in the population databases is considered unreliable, as metrics indicate poor data quality at this position in the gnomAD database. This variant has not been reported in the literature in individuals affected with CDC42BPB-related conditions. ClinVar contains an entry for this variant (Variation ID: 3716055). An algorithm developed to predict the effect of missense changes on protein structure and function (PolyPhen-2) suggests that this variant is likely to be disruptive. In summary, the available evidence is currently insufficient to determine the role of this variant in disease. Therefore, it has been classified as a Variant of Uncertain Significance.

NM_006035.4(CDC42BPB):c.5006C>T (p.Pro1669Leu)

Gene: CDC42BPB (CDC42 binding protein kinase beta; minus strand). Cytogenetic location: 14q32.32.
Variant type: single nucleotide variant.
Coding change: c.5006C>T on transcript NM_006035.4 (MANE Select); coding-DNA position 5006, C replaced by T.
Protein change: p.Pro1669Leu; replaces proline 1669 with leucine.
Molecular consequence: missense variant.
Genome position (GRCh38, 1-based): chr14:102,933,842, G>A on the plus strand (C>T on the coding strand, the complement: CDC42BPB is on the minus strand). VCF-style: chr14-102933842-G-A. GRCh37 (hg19) VCF-style: chr14-103400179-G-A.
Other names: c.4928C>T, p.Pro1643Leu (NM_001411054.1); short protein forms P1669L, P1643L.
Identifiers: ClinVar variation 3716055 (VCV003716055.2).